The following is an entry in ClinVar:

NM_000059.4(BRCA2):c.6050A>G (p.Lys2017Arg)

Gene: BRCA2 (BRCA2 DNA repair associated; plus strand). Cytogenetic location: 13q13.1.
Variant type: single nucleotide variant.
Coding change: c.6050A>G on transcript NM_000059.4 (MANE Select); coding-DNA position 6050, A replaced by G.
Protein change: p.Lys2017Arg; replaces lysine 2017 with arginine.
Molecular consequence: missense variant. On other transcripts: non-coding transcript variant (1), intron variant (2).
Genome position (GRCh38, 1-based): chr13:32,340,405, A>G. VCF-style: chr13-32340405-A-G. GRCh37 (hg19) VCF-style: chr13-32914542-A-G.
Other names: c.6050A>G, p.Lys2017Arg (NM_001406719.1, NM_001406720.1); c.1910-4153A>G (NM_001406721.1); c.425-4153A>G (NM_001406722.1); short protein forms K2017R.
Identifiers: ClinVar variation 2781616 (VCV002781616.4), dbSNP rs2137523664, ClinGen allele CA387787874.
Genomic context (GRCh38, chr13:32,340,405, plus strand): 5'-GACAAGTGTTTTCTGAAATAGAAGATAGTACCAAGCAAGTCTTTTCCAAAGTATTGTTTA[A>G]AAGTAACGAACATTCAGACCAGCTCACAAGAGAAGAAAATACTGCTATACGTACTCCAGA-3'
Protein context (NP_000050.3, residues 2007-2027): TKQVFSKVLF[Lys2017Arg]SNEHSDQLTR

ClinVar aggregate classification (germline): Uncertain significance. Review status: criteria provided, multiple submitters, no conflicts (2 of 4 stars). 2 submissions from 2 submitters: Uncertain significance (2). Last evaluated 2025-01-07.

Conditions:
Hereditary breast ovarian cancer syndrome. Also called: Hereditary breast and ovarian cancer syndrome; Hereditary breast and ovarian cancer syndrome (HBOC); Hereditary breast and/or ovarian cancer syndrome; Breast and ovarian cancer; Hereditary breast and ovarian cancer; BRCA1- and BRCA2-Associated Hereditary Breast and Ovarian Cancer. Identifiers: Orphanet 145, MedGen C0677776, MeSH D061325, MONDO:0003582. Disease mechanism: loss of function.
Hereditary cancer-predisposing syndrome. Also called: Hereditary neoplastic syndrome; Neoplastic Syndromes, Hereditary; Tumor predisposition; Hereditary Cancer Syndrome. Identifiers: Orphanet 140162, MedGen C0027672, MeSH D009386, MONDO:0015356.

Submissions (2):

Labcorp Genetics (formerly Invitae), Labcorp
Classification: Uncertain significance for Hereditary breast ovarian cancer syndrome. Last evaluated: 2025-01-07. Review status: criteria provided, single submitter. Criteria: Invitae Variant Classification Sherloc (09022015). Collection method: clinical testing. Allele origin: germline.
Comment: This sequence change replaces lysine, which is basic and polar, with arginine, which is basic and polar, at codon 2017 of the BRCA2 protein (p.Lys2017Arg). This variant is not present in population databases (gnomAD no frequency). This variant has not been reported in the literature in individuals affected with BRCA2-related conditions. ClinVar contains an entry for this variant (Variation ID: 2781616). Invitae Evidence Modeling of protein sequence and biophysical properties (such as structural, functional, and spatial information, amino acid conservation, physicochemical variation, residue mobility, and thermodynamic stability) indicates that this missense variant is not expected to disrupt BRCA2 protein function with a negative predictive value of 95%. In summary, the available evidence is currently insufficient to determine the role of this variant in disease. Therefore, it has been classified as a Variant of Uncertain Significance.

Ambry Genetics
Classification: Uncertain significance for Hereditary cancer-predisposing syndrome. Last evaluated: 2023-09-21. Review status: criteria provided, single submitter. Criteria: Ambry Variant Classification Scheme 2023. Collection method: clinical testing. Allele origin: germline.
Comment: The p.K2017R variant (also known as c.6050A>G), located in coding exon 10 of the BRCA2 gene, results from an A to G substitution at nucleotide position 6050. The lysine at codon 2017 is replaced by arginine, an amino acid with highly similar properties. This alteration was identified amongst a cohort of 3984 Chinese women with a breast cancer diagnosis undergoing BRCA1/2 genetic testing (Yao L et al. J Hum Genet, 2022 Nov;67:639-642). This amino acid position is not well conserved in available vertebrate species. In addition, this alteration is predicted to be tolerated by in silico analysis. Since supporting evidence is limited at this time, the clinical significance of this alteration remains unclear.

Literature cited by the submitters: PubMed 35864222 (cited by Ambry Genetics).